The following is an entry in ClinVar:

ClinVar aggregate classification (germline): Conflicting classifications of pathogenicity. Review status: criteria provided, conflicting classifications (1 of 4 stars). 6 submissions from 6 submitters: Uncertain significance (4); Likely benign (2). Last evaluated 2026-09-24.

Conditions:
Global developmental delay - lung cysts - overgrowth - Wilms tumor syndrome. Also called: GLOBAL DEVELOPMENTAL DELAY, LUNG CYSTS, OVERGROWTH, AND WILMS TUMOR; GLOW Syndrome. Identifiers: Orphanet 404476, MedGen C4748924, MONDO:0018445, OMIM 618272.
DICER1-related disorder. Also called: DICER1-related condition.
DICER1-related tumor predisposition. Also called: DICER1-related pleuropulmonary blastoma cancer predisposition syndrome; DICER1 syndrome. Identifiers: Orphanet 284343, MedGen C3839822, MONDO:0100216.
Hereditary cancer-predisposing syndrome. Also called: Tumor predisposition; Hereditary Cancer Syndrome; Hereditary neoplastic syndrome; Neoplastic Syndromes, Hereditary. Identifiers: Orphanet 140162, MedGen C0027672, MeSH D009386, MONDO:0015356.

Allele frequency attached by ClinVar (database versions not stated): gnomAD 0.00010; ESP Exome Variant Server 0.00015; TOPMed 0.00006.

Submissions (6):

PreventionGenetics, part of Exact Sciences
Classification: Uncertain significance for DICER1-related condition. Last evaluated: 2026-09-24. Review status: criteria provided, single submitter. Criteria: ACMG Guidelines, 2015. Collection method: clinical testing. Allele origin: germline.
Comment: The DICER1 c.3475G>C variant is predicted to result in the amino acid substitution p.Glu1159Gln. To our knowledge, this variant has not been reported in the literature. It is reported in 0.020% of alleles in individuals of African descent in gnomAD, which is more common than expected for a disease-causing variant in DICER1, and has conflicting interpretations in ClinVar, ranging from likely benign to uncertain (Variation ID: 570911). Although we suspect that this variant may be benign, at this time, the clinical significance is uncertain due to the absence of conclusive functional and genetic evidence.

Labcorp Genetics (formerly Invitae), Labcorp
Classification: Likely benign for DICER1-related tumor predisposition. Last evaluated: 2026-01-27. Review status: criteria provided, single submitter. Criteria: Invitae Variant Classification Sherloc (09022015). Collection method: clinical testing. Allele origin: germline.

Ambry Genetics
Classification: Uncertain significance for Hereditary cancer-predisposing syndrome. Last evaluated: 2025-01-11. Review status: criteria provided, single submitter. Criteria: Ambry Variant Classification Scheme 2023. Collection method: clinical testing. Allele origin: germline.
Comment: The p.E1159Q variant (also known as c.3475G>C), located in coding exon 20 of the DICER1 gene, results from a G to C substitution at nucleotide position 3475. The glutamic acid at codon 1159 is replaced by glutamine, an amino acid with highly similar properties. This amino acid position is not well conserved in available vertebrate species. In addition, this alteration is predicted to be tolerated by in silico analysis. Since supporting evidence is limited at this time, the clinical significance of this alteration remains unclear.

CeGaT Center for Human Genetics Tuebingen
Classification: Likely benign. Last evaluated: 2024-10-01. Review status: criteria provided, single submitter. Criteria: CeGaT Center For Human Genetics Tuebingen Variant Classification Criteria Version 2. Collection method: clinical testing. Allele origin: germline. Affected: yes. Observed: 1 variant allele.
Comment: DICER1: BP4

GeneDx
Classification: Uncertain significance. Last evaluated: 2023-07-27. Review status: criteria provided, single submitter. Criteria: GeneDx Variant Classification Process June 2021. Collection method: clinical testing. Allele origin: germline. Affected: yes.
Comment: In silico analysis supports that this missense variant does not alter protein structure/function; Has not been previously published as pathogenic or benign to our knowledge

Baylor Genetics
Classification: Uncertain significance for Global developmental delay - lung cysts - overgrowth - Wilms tumor syndrome. Last evaluated: 2023-06-02. Review status: criteria provided, single submitter. Criteria: ACMG Guidelines, 2015. Collection method: clinical testing. Allele origin: unknown.

NM_177438.3(DICER1):c.3475G>C (p.Glu1159Gln)

Gene: DICER1 (dicer 1, ribonuclease III; minus strand). Cytogenetic location: 14q32.13.
Variant type: single nucleotide variant.
Coding change: c.3475G>C on transcript NM_177438.3 (MANE Select); coding-DNA position 3475, G replaced by C.
Protein change: p.Glu1159Gln; replaces glutamic acid 1159 with glutamine.
Molecular consequence: missense variant.
Genome position (GRCh38, 1-based): chr14:95,103,921, C>G on the plus strand (G>C on the coding strand, the complement: DICER1 is on the minus strand). VCF-style: chr14-95103921-C-G. GRCh37 (hg19) VCF-style: chr14-95570258-C-G.
Other names: c.3475G>C, p.Glu1159Gln (NM_001195573.1, NM_001271282.3, NM_001291628.2 and 1 more transcripts); short protein forms E1159Q.
Identifiers: ClinVar variation 570911 (VCV000570911.34), dbSNP rs145693584, ClinGen allele CA7331034.
Genomic context (GRCh38, chr14:95,103,921, plus strand): 5'-AAAGACCATTAATTGCTGTAAGATCTGCTGAAACTTCAACGTGGAGCTTACCAGGGGACT[C>G]GCTGAGCAACGTTCTGCAGTTCACAGACATTTGGTCATGATTTTCTAGAGAGGAGGTTCT-3'
Protein context (NP_803187.1, residues 1149-1169): MSVNCRTLLS[Glu1159Gln]SPGKLHVEVS